The following is an entry in ClinVar:

NM_054012.4(ASS1):c.572A>C (p.Glu191Ala)

Gene: ASS1 (argininosuccinate synthase 1; plus strand). Cytogenetic location: 9q34.11.
Variant type: single nucleotide variant.
Coding change: c.572A>C on transcript NM_054012.4 (MANE Select); coding-DNA position 572, A replaced by C.
Protein change: p.Glu191Ala; replaces glutamic acid 191 with alanine.
Molecular consequence: missense variant.
Genome position (GRCh38, 1-based): chr9:130,471,490, A>C. VCF-style: chr9-130471490-A-C. GRCh37 (hg19) VCF-style: chr9-133346877-A-C.
Other names: c.572A>C, p.Glu191Ala (NM_000050.4); short protein forms E191A.
Identifiers: ClinVar variation 1500614 (VCV001500614.8), dbSNP rs2131887113, ClinGen allele CA375227461.
Genomic context (GRCh38, chr9:130,471,490, plus strand): 5'-GGGGACATGCCATGTCCCTCCCCAGCTGACCCTGTCTTTCCTTTCCCCTCCGCAGCTACG[A>C]GGCTGGAATCCTGGAGAACCCCAAGGTAATCCCCCAAACCCCATCTCCTCCCAGCTGGCC-3'
Protein context (NP_446464.1, residues 181-201): MDENLMHISY[Glu191Ala]AGILENPKNQ

ClinVar aggregate classification (germline): Uncertain significance (1 of 4 stars; one submission).

Conditions:
Citrullinemia. Identifiers: Orphanet 187, MedGen C0175683, MONDO:0015991.

Submission:

Labcorp Genetics (formerly Invitae), Labcorp
Classification: Uncertain significance for Citrullinemia. Last evaluated: 2020-11-16. Review status: criteria provided, single submitter. Criteria: Invitae Variant Classification Sherloc (09022015). Collection method: clinical testing. Allele origin: germline.
Comment: This variant has been observed in individual(s) with citrullinemia type I (Invitae). This variant is not present in population databases (ExAC no frequency). This sequence change replaces glutamic acid with alanine at codon 191 of the ASS1 protein (p.Glu191Ala). The glutamic acid residue is highly conserved and there is a moderate physicochemical difference between glutamic acid and alanine. Algorithms developed to predict the effect of missense changes on protein structure and function are either unavailable or do not agree on the potential impact of this missense change (SIFT: "Deleterious"; PolyPhen-2: "Probably Damaging"; Align-GVGD: "Class C0"). In summary, the available evidence is currently insufficient to determine the role of this variant in disease. Therefore, it has been classified as a Variant of Uncertain Significance. This variant disrupts the p.Glu191 amino acid residue in ASS1. Other variant(s) that disrupt this residue have been determined to be pathogenic (PMID: 12815590, 24713661, 28111830). This suggests that this residue is clinically significant, and that variants that disrupt this residue are likely to be disease-causing.

Literature cited by the submitters: PubMed 12815590; PubMed 24713661; PubMed 28111830.